The following is an entry in ClinVar:

ClinVar aggregate classification (germline): Pathogenic/Likely pathogenic. Review status: criteria provided, multiple submitters, no conflicts (2 of 4 stars). 2 submissions from 2 submitters: Pathogenic (1); Likely pathogenic (1). Last evaluated 2024-04-15.

Conditions:
Merosin deficient congenital muscular dystrophy (MDC1A). Also called: Congenital merosin-deficient muscular dystrophy 1A; Congenital Muscular Dystrophy Type 1A (MDC1A). Identifiers: Orphanet 258, MedGen C1263858, MONDO:0011925, OMIM 607855.
Muscular dystrophy, limb-girdle, autosomal recessive 23. Identifiers: Orphanet 565837, MedGen C4748327, MONDO:0029136, OMIM 618138.
LAMA2-related muscular dystrophy (LAMA2-RD). Also called: Laminin alpha 2-related dystrophy. Identifiers: MedGen C5679788, MONDO:0100228.

Submissions (2):

Fulgent Genetics
Classification: Likely pathogenic for Merosin deficient congenital muscular dystrophy; Muscular dystrophy, limb-girdle, autosomal recessive 23. Last evaluated: 2024-04-15. Review status: criteria provided, single submitter. Criteria: ACMG Guidelines, 2015. Collection method: clinical testing. Allele origin: germline.

Labcorp Genetics (formerly Invitae), Labcorp
Classification: Pathogenic for LAMA2-related muscular dystrophy. Last evaluated: 2022-12-18. Review status: criteria provided, single submitter. Criteria: Invitae Variant Classification Sherloc (09022015). Collection method: clinical testing. Allele origin: germline.
Comment: This sequence change creates a premature translational stop signal (p.Tyr2348Leufs*48) in the LAMA2 gene. It is expected to result in an absent or disrupted protein product. Loss-of-function variants in LAMA2 are known to be pathogenic (PMID: 18700894, 32904964). This variant is not present in population databases (gnomAD no frequency). This variant has not been reported in the literature in individuals affected with LAMA2-related conditions. For these reasons, this variant has been classified as Pathogenic.

Literature cited by the submitters: PubMed 18700894 (cited by Labcorp Genetics (formerly Invitae), Labcorp); PubMed 32904964 (cited by Labcorp Genetics (formerly Invitae), Labcorp).

NM_000426.4(LAMA2):c.7042dup (p.Tyr2348fs)

Gene: LAMA2 (laminin subunit alpha 2; plus strand). Cytogenetic location: 6q22.33.
Variant type: Duplication.
Coding change: c.7042dup on transcript NM_000426.4 (MANE Select); coding-DNA position 7042, one base duplicated (T; older notation c.7042dupT).
Protein change: p.Tyr2348fs; shifts the reading frame from tyrosine 2348.
Molecular consequence: frameshift variant.
Genome position (GRCh38, 1-based): chr6:129,464,339, T duplicated; the last of 2 consecutive T bases (chr6:129,464,338-129,464,339); duplicating either gives the same sequence. VCF-style (leftmost placement, unchanged base first): chr6-129464337-G-GT. GRCh37 (hg19) VCF-style: chr6-129785482-G-GT.
Other names: c.7042dup, p.Tyr2348fs (NM_001079823.2); short protein forms Y2348fs.
Identifiers: ClinVar variation 3011651 (VCV003011651.4), dbSNP rs2533441401, ClinGen allele CA2680307464.